The following is an entry in ClinVar:

ClinVar aggregate classification (germline): Uncertain significance (1 of 4 stars; one submission).

Allele frequency attached by ClinVar (database versions not stated): TOPMed 0.00001; ExAC 0.00002; gnomAD 0.00007.
gnomAD v4.1: 81 of 1,613,188 alleles (0.005%); highest among the groups gnomAD compares: South Asian, 0.019%; 1 homozygote.

Submission:

Labcorp Genetics (formerly Invitae), Labcorp
Classification: Uncertain significance. Last evaluated: 2025-12-20. Review status: criteria provided, single submitter. Criteria: Invitae Variant Classification Sherloc (09022015). Collection method: clinical testing. Allele origin: germline.
Comment: This sequence change falls in intron 6 of the TNNT3 gene. It does not directly change the encoded amino acid sequence of the TNNT3 protein. It affects a nucleotide within the consensus splice site. This variant is present in population databases (rs774221281, gnomAD 0.06%), and has an allele count higher than expected for a pathogenic variant. This variant has not been reported in the literature in individuals affected with TNNT3-related conditions. ClinVar contains an entry for this variant (Variation ID: 3014151). Variants that disrupt the consensus splice site are a relatively common cause of aberrant splicing (PMID: 17576681, 9536098). Algorithms developed to predict the effect of sequence changes on RNA splicing suggest that this variant is not likely to affect RNA splicing. In summary, the available evidence is currently insufficient to determine the role of this variant in disease. Therefore, it has been classified as a Variant of Uncertain Significance.

Literature cited by the submitters: PubMed 17576681; PubMed 9536098.

NM_006757.4(TNNT3):c.82+5G>A

Gene: TNNT3 (troponin T3, fast skeletal type; plus strand). Cytogenetic location: 11p15.5.
Variant type: single nucleotide variant.
Coding change: c.82+5G>A on transcript NM_006757.4 (MANE Select); 5 bases into the intron after coding-DNA position 82, G replaced by A.
Molecular consequence: intron variant.
Genome position (GRCh38, 1-based): chr11:1,926,714, G>A. VCF-style: chr11-1926714-G-A. GRCh37 (hg19) VCF-style: chr11-1947944-G-A.
Other names: c.82+5G>A (NM_001297646.2, NM_001042780.3, NM_001042782.3 and 1 more transcripts); c.115+5G>A (NM_001367846.1, NM_001363561.2, NM_001367847.1); c.100+233G>A (NM_001042781.3, NM_001367843.1, NM_001367842.1); c.103+5G>A (NM_001367848.1); c.82+233G>A (NM_001367845.1); c.50-3096G>A (NM_001367850.1); c.-98-3096G>A (NM_001367851.1); c.70+1438G>A (NM_001367849.1); and 1 more.
Identifiers: ClinVar variation 3014151 (VCV003014151.3), dbSNP rs774221281, ClinGen allele CA5816226.